The following is an entry in ClinVar:

NM_001267550.2(TTN):c.40558+1G>A

Gene: TTN (titin; minus strand). Cytogenetic location: 2q31.2.
Variant type: single nucleotide variant.
Coding change: c.40558+1G>A on transcript NM_001267550.2 (MANE Select); the canonical splice donor site of the intron after coding-DNA position 40558, G replaced by A.
Molecular consequence: splice donor variant.
Genome position (GRCh38, 1-based): chr2:178,642,236, C>T on the plus strand (G>A on the coding strand, the complement: TTN is on the minus strand). VCF-style: chr2-178642236-C-T. GRCh37 (hg19) VCF-style: chr2-179506963-C-T.
Other names: c.40558+1G>A (LRG_391t1); c.13363+1G>A (NM_003319.4); c.13939+1G>A (NM_133437.4); c.13738+1G>A (NM_133432.3); c.32854+1G>A (NM_133378.4); c.35635+1G>A (NM_001256850.1).
Identifiers: ClinVar variation 223256 (VCV000223256.70), dbSNP rs368219776, ClinGen allele CA113809.

ClinVar aggregate classification (germline): Conflicting classifications of pathogenicity. Review status: criteria provided, conflicting classifications (1 of 4 stars). 14 submissions from 14 submitters: Likely pathogenic (3); Uncertain significance (10). 1 of the submissions does not count toward it. Last evaluated 2026-01-18.

Conditions:
TTN-related disorder. Also called: TTN-related condition; TTN-related disease; TTN-related disorders.
Cardiovascular phenotype. Identifiers: MedGen CN230736.
Autosomal recessive limb-girdle muscular dystrophy type 2J (LGMDR10). Also called: Limb-girdle muscular dystrophy, type 2J; MUSCULAR DYSTROPHY, LIMB-GIRDLE, AUTOSOMAL RECESSIVE 10. Identifiers: Orphanet 140922, MedGen C1837342, MONDO:0012127, OMIM 608807.
Dilated cardiomyopathy 1G (CMD1G). Identifiers: Orphanet 154, MedGen C1858763, MONDO:0011400, OMIM 604145.
Primary familial dilated cardiomyopathy (FDC). Also called: Familial dilated cardiomyopathy; Hypokinetic dilated cardiomyopathy, familial. Identifiers: Orphanet 217607, MedGen C0340427, MONDO:0016333.
Tibial muscular dystrophy (TMD). Also called: Tibial muscular dystrophy, tardive; UDD MYOPATHY; Udd Distal Myopathy – Tibial Muscular Dystrophy. Identifiers: Orphanet 609, MedGen C1838244, MONDO:0010870, OMIM 600334.
Myopathy, myofibrillar, 9, with early respiratory failure (MFM9). Also called: Hereditary myopathy with early respiratory failure; MYOPATHY, PROXIMAL, WITH EARLY RESPIRATORY MUSCLE INVOLVEMENT; Myopathy, distal, with early respiratory failure, autosomal dominant; EDSTROM MYOPATHY. Identifiers: Orphanet 178464, Orphanet 34521, MedGen C1863599, MONDO:0011362, OMIM 603689.
Hypertrophic cardiomyopathy 9. Also called: Familial hypertrophic cardiomyopathy 9. Identifiers: MedGen C1861065, MONDO:0013412, OMIM 613765.
Early-onset myopathy with fatal cardiomyopathy (CMYO5). Also called: CONGENITAL MYOPATHY 5 WITH CARDIOMYOPATHY; Salih Myopathy. Identifiers: Orphanet 289377, MedGen C2673677, MONDO:0012714, OMIM 611705. Disease mechanism: loss of function.
Cardiomyopathy (CMYO). Also called: Cardiomyopathies. Identifiers: Orphanet 167848, MedGen C0878544, MONDO:0004994, HP:0001638. Inheritance: Various modes of inheritance.
Primary dilated cardiomyopathy (DCM). Also called: Dilated Cardiomyopathy. Identifiers: Orphanet 217604, MedGen C0007193, MeSH D002311, MONDO:0005021, HP:0001644. Inheritance: Various modes of inheritance.

Allele frequency attached by ClinVar (database versions not stated): gnomAD 0.00004; gnomAD exomes 0.00004; TOPMed 0.00006; ExAC 0.00012; ESP Exome Variant Server 0.00017.
gnomAD v4.1: 149 of 1,579,460 alleles (0.0094%); highest among the groups gnomAD compares: Middle Eastern, 0.017%; no homozygotes.

Submissions 1 to 5 of 14:

Labcorp Genetics (formerly Invitae), Labcorp
Classification: Likely pathogenic for Dilated cardiomyopathy 1G; Autosomal recessive limb-girdle muscular dystrophy type 2J. Last evaluated: 2026-01-18. Review status: criteria provided, single submitter. Criteria: Invitae Variant Classification Sherloc (09022015). Collection method: clinical testing. Allele origin: germline.
Comment: This sequence change affects a donor splice site in intron 219 of the TTN gene. It is expected to disrupt RNA splicing and likely results in a truncated or disrupted TTN protein. This variant is present in population databases (rs368219776, gnomAD 0.01%). This variant has not been observed in the literature in individuals with autosomal recessive TTN-related conditions. This variant has been reported in individual(s) with dilated cardiomyopathy (PMID: 22335739, 28333919, 30535219; internal data); however, the role of the variant in this condition is currently unclear. ClinVar contains an entry for this variant (Variation ID: 223256). Algorithms developed to predict the effect of sequence changes on RNA splicing suggest that this variant may disrupt the consensus splice site. This variant is located in the I band of TTN (PMID: 25589632). Truncating variants in this region have been reported in individuals affected with autosomal recessive centronuclear myopathy (PMID: 23975875, internal data). Truncating variants in this region have also been identified in individuals affected with autosomal dominant dilated cardiomyopathy and/or cardio-related conditions (PMID: 27869827, 32964742, internal data). In summary, the currently available evidence indicates that the variant is pathogenic, but additional data are needed to prove that conclusively. Therefore, this variant has been classified as Likely Pathogenic.

CeGaT Center for Human Genetics Tuebingen
Classification: Uncertain significance. Last evaluated: 2026-01-01. Review status: criteria provided, single submitter. Criteria: CeGaT Center For Human Genetics Tuebingen Variant Classification Criteria Version 2. Collection method: clinical testing. Allele origin: germline. Affected: yes. Observed: 3 variant alleles.
Comment: TTN: PVS1:Moderate

PreventionGenetics, part of Exact Sciences
Classification: Likely pathogenic for TTN-related condition. Last evaluated: 2025-10-22. Review status: criteria provided, single submitter. Criteria: ACMG Guidelines, 2015. Collection method: clinical testing. Allele origin: germline.
Comment: The TTN c.40558+1G>A variant is predicted to disrupt the GT donor site and interfere with normal splicing. This variant has been reported in individuals with dilated cardiomyopathy (reported as c.35635+1G>A in Supplementary Appendix Table 4, Herman et al. 2012. PubMed ID: 22335739; Table S9, McGurk et al. 2023. PubMed ID: 37652022), including a severely affected individual who also carried a nonsense variant in LMNA (Bagnall et al. 2017. PubMed ID: 28333919). It has also been reported in individuals with early-onset atrial fibrillation (eTable 5, Choi et al. 2018. PubMed ID: 30535219) as well as in controls (Online Table IX, Choi et al. 2020. PubMed ID: 31691645; Table S9, McGurk et al. 2023. PubMed ID: 37652022). This variant is reported in 0.013% of alleles in individuals of European (Non-Finnish) descent in gnomAD. This variant is located in the TTN protein I-band region. RNAseq studies from heart tissue indicate this exon is commonly included in TTN mRNA transcripts (PSI of 95%-100%, Roberts et al. 2015. PubMed ID: 25589632). TTN loss-of-function variants occurring in constitutively expressed exons (PSI > 90%) are more likely to be disease causing for TTN cardiac-related disorders regardless of band location (Roberts et al. 2015. PubMed ID: 25589632; Schafer et al. 2017 PubMed ID: 27869827; Akhtar et al. 2020. PubMed ID: 32964742). Many cases of recessive TTN-related myopathies in which the individual is compound heterozygous for two loss-of-function variants in TTN have also been reported (Ge et al. 2019. PubMed ID: 31053406; Oates et al. 2018. PubMed ID: 29691892; Rees et al. 2021. PubMed ID: 33449170). In summary, this variant is categorized as likely pathogenic. Of note, this variant is considered likely pathogenic for increased risk of TTN-related cardiac disorders, and also for autosomal recessive TTN-related congenital titinopathies.

GeneDx
Classification: Uncertain significance. Last evaluated: 2025-04-22. Review status: criteria provided, single submitter. Criteria: GeneDx Variant Classification Process June 2021. Collection method: clinical testing. Allele origin: germline.
Comment: Identified in an individual with sudden death and history of DCM and atrial fibrillation who also harbored a pathogenic variant in the LMNA gene (PMID: 28333919); Canonical splice site variant with an unclear effect on protein function; Located in a specific region of the I-band within TTN for which truncating variants are significantly associated with autosomal dominant cardiomyopathy and also with autosomal recessive skeletal myopathies (PMID: 27625338, 27869827, 32778822); This variant is associated with the following publications: (PMID: 26701604, 23975875, 25589632, 31691645, 34461741, 35177841, 33226272, 34135346, 37652022, 30535219, 22335739, 24503780, 28333919, 27625338, 27869827, 32778822)

Ambry Genetics
Classification: Uncertain significance for Cardiovascular phenotype. Last evaluated: 2025-02-27. Review status: criteria provided, single submitter. Criteria: Ambry Variant Classification Scheme 2023. Collection method: clinical testing. Allele origin: germline.
Comment: The c.13363+1G>A intronic variant results from a G to A substitution one nucleotide after coding exon 46 of the TTN gene. Coding exon 46 is located in the I-band region of the N2-B isoform of the titin protein and is constitutively expressed in TTN transcripts (percent spliced in or PSI 100%). This variant (also referred to as c.35635+1G>A and c.40558+1G>A) has been reported in individuals with features consistent with dilated cardiomyopathy (DCM), but also in population-based cohorts and cohorts not selected for the presence of cardiomyopathy (Herman DS et al. N Engl J Med. 2012 Feb;366(7):619-28; Roberts AM et al. Sci Transl Med. 2015 Jan;7(270):270ra6; Connell PS et al. Circ Genom Precis Med. 2021 Feb;14(1):e003131; Lacaze P et al. NPJ Genom Med. 2021 Jun;6(1):51; Ambry internal data). This variant was detected in a sudden death victim reported to have DCM who also had variants in other cardiac-related genes, and this alteration did not segregate with disease in the family (Bagnall RD et al. Genet Med. 2017 Oct;19(10):1127-1133). This variant has also been detected in an early-onset atrial fibrillation cohort (Choi SH et al. JAMA. 2018 12;320(22):2354-2364). This nucleotide position is highly conserved in available vertebrate species. In silico splice site analysis predicts that this alteration will weaken the native splice donor site. This alteration disrupts the canonical splice site and is expected to cause aberrant splicing. However, although direct evidence is unavailable, this alteration is predicted to result in an in-frame transcript that is not expected to trigger nonsense-mediated mRNA decay. The exact functional effect of the predicted splice impact is unknown. Based on the available evidence, the clinical significance of this variant remains unclear.